The following is an entry in ClinVar:

NM_022048.5(CSNK1G1):c.96A>G (p.Ser32=)

Gene: CSNK1G1 (casein kinase 1 gamma 1; minus strand). Cytogenetic location: 15q22.31.
Variant type: single nucleotide variant.
Coding change: c.96A>G on transcript NM_022048.5 (MANE Select); coding-DNA position 96, A replaced by G.
Protein change: p.Ser32=; no amino-acid change (serine 32 retained).
Molecular consequence: synonymous variant.
Genome position (GRCh38, 1-based): chr15:64,300,404, T>C on the plus strand (A>G on the coding strand, the complement: CSNK1G1 is on the minus strand). VCF-style: chr15-64300404-T-C. GRCh37 (hg19) VCF-style: chr15-64592603-T-C.
Other names: c.96A>G, p.Ser32= (NM_001329605.2, NM_001329606.2, NM_001329607.2 and 1 more transcripts).
Identifiers: ClinVar variation 3024910 (VCV003024910.22), dbSNP rs35105746, ClinGen allele CA7609067.

ClinVar aggregate classification (germline): Likely benign (1 of 4 stars; one submission).

Allele frequency attached by ClinVar (database versions not stated): ExAC 0.00368; 1000 Genomes Project 30x 0.00141; 1000 Genomes Project 0.00160; ESP Exome Variant Server 0.00361.
gnomAD v4.1: 6,773 of 1,614,058 alleles (0.42%); highest among the groups gnomAD compares: Non-Finnish European, 0.45%; 26 homozygotes.

Submission:

CeGaT Center for Human Genetics Tuebingen
Classification: Likely benign. Last evaluated: 2026-09-01. Review status: criteria provided, single submitter. Criteria: CeGaT Center For Human Genetics Tuebingen Variant Classification Criteria Version 2. Collection method: clinical testing. Allele origin: germline. Affected: yes. Observed: 9 variant alleles.
Comment: CSNK1G1: BP4, BP7, BS2